The following is an entry in ClinVar:

NM_002528.7(NTHL1):c.727T>G (p.Trp243Gly)

Gene: NTHL1 (nth like DNA glycosylase 1; minus strand). Cytogenetic location: 16p13.3.
Variant type: single nucleotide variant.
Coding change: c.727T>G on transcript NM_002528.7 (MANE Select); coding-DNA position 727, T replaced by G.
Protein change: p.Trp243Gly; replaces tryptophan 243 with glycine.
Molecular consequence: missense variant.
Genome position (GRCh38, 1-based): chr16:2,040,197, A>C on the plus strand (T>G on the coding strand, the complement: NTHL1 is on the minus strand). VCF-style: chr16-2040197-A-C. GRCh37 (hg19) VCF-style: chr16-2090198-A-C.
Other names: c.556T>G, p.Trp186Gly (NM_001318193.2); c.397T>G, p.Trp133Gly (NM_001318194.2); short protein forms W243G, W133G, W186G.
Identifiers: ClinVar variation 4842851 (VCV004842851.1).

ClinVar aggregate classification (germline): Uncertain significance (1 of 4 stars; one submission).

Conditions:
Hereditary cancer-predisposing syndrome. Also called: Neoplastic Syndromes, Hereditary; Tumor predisposition; Hereditary Cancer Syndrome; Hereditary neoplastic syndrome. Identifiers: Orphanet 140162, MedGen C0027672, MeSH D009386, MONDO:0015356.

Submission:

Ambry Genetics
Classification: Uncertain significance for Hereditary cancer-predisposing syndrome. Last evaluated: 2025-12-24. Review status: criteria provided, single submitter. Criteria: Ambry Variant Classification Scheme 2023. Collection method: clinical testing. Allele origin: germline.
Comment: The p.W251G variant (also known as c.751T>G), located in coding exon 5 of the NTHL1 gene, results from a T to G substitution at nucleotide position 751. The tryptophan at codon 251 is replaced by glycine, an amino acid with highly dissimilar properties. This amino acid position is conserved. In addition, this alteration is predicted to be deleterious by in silico analysis. Based on the available evidence, the clinical significance of this variant remains unclear.